The following is an entry in ClinVar:

ClinVar aggregate classification (germline): Uncertain significance (1 of 4 stars; one submission).

Conditions:
Fanconi anemia (FA). Also called: Fanconi's anemia. Identifiers: Orphanet 84, MedGen C0015625, MeSH D005199, MONDO:0019391.

Submission:

Labcorp Genetics (formerly Invitae), Labcorp
Classification: Uncertain significance for Fanconi anemia. Last evaluated: 2022-03-27. Review status: criteria provided, single submitter. Criteria: Invitae Variant Classification Sherloc (09022015). Collection method: clinical testing. Allele origin: germline.
Comment: In summary, the available evidence is currently insufficient to determine the role of this variant in disease. Therefore, it has been classified as a Variant of Uncertain Significance. Algorithms developed to predict the effect of missense changes on protein structure and function (SIFT, PolyPhen-2, Align-GVGD) all suggest that this variant is likely to be tolerated. This variant has not been reported in the literature in individuals affected with FANCL-related conditions. This variant is not present in population databases (gnomAD no frequency). This sequence change replaces serine, which is neutral and polar, with asparagine, which is neutral and polar, at codon 268 of the FANCL protein (p.Ser268Asn).

NM_018062.4(FANCL):c.803G>A (p.Ser268Asn)

Gene: FANCL (FA complementation group L; minus strand). Cytogenetic location: 2p16.1.
Variant type: single nucleotide variant.
Coding change: c.803G>A on transcript NM_018062.4 (MANE Select); coding-DNA position 803, G replaced by A.
Protein change: p.Ser268Asn; replaces serine 268 with asparagine.
Molecular consequence: missense variant.
Genome position (GRCh38, 1-based): chr2:58,163,047, C>T on the plus strand (G>A on the coding strand, the complement: FANCL is on the minus strand). VCF-style: chr2-58163047-C-T. GRCh37 (hg19) VCF-style: chr2-58390182-C-T.
Other names: c.818G>A, p.Ser273Asn (NM_001114636.2); c.848G>A, p.Ser283Asn (NM_001374615.1); c.863G>A, p.Ser288Asn (NM_001410792.1); short protein forms S273N, S288N, S268N, S283N.
Identifiers: ClinVar variation 2118248 (VCV002118248.4), dbSNP rs2466610243, ClinGen allele CA346935663.